The following is an entry in ClinVar:

ClinVar aggregate classification (germline): Conflicting classifications of pathogenicity. Review status: criteria provided, conflicting classifications (1 of 4 stars). 2 submissions from 2 submitters: Likely pathogenic (1); Uncertain significance (1). Last evaluated 2025-04-18.

Conditions:
Mucopolysaccharidosis, MPS-IV-B (MPS4B). Also called: Mucopolysaccharidosis type IV B; Mucopolysaccharidosis Type IVB; Mucopolysaccharidosis type IVB (Morquio); MPS IVB; MORQUIO SYNDROME B; Mucopolysaccharidosis Type IVB (Morquio B Disease). Identifiers: Orphanet 309310, Orphanet 582, MedGen C0086652, MONDO:0009660, OMIM 253010.
GM1 gangliosidosis. Identifiers: Orphanet 354, MedGen C0085131, MONDO:0018149.

Allele frequency attached by ClinVar (database versions not stated): gnomAD exomes 0.00001.
gnomAD v4.1: 4 of 1,614,054 alleles (0.00025%); highest among the groups gnomAD compares: South Asian, 0.0044%; no homozygotes.

Submissions (2):

Women's Health and Genetics/Laboratory Corporation of America, LabCorp
Classification: Uncertain significance. Last evaluated: 2025-04-18. Review status: criteria provided, single submitter. Criteria: LabCorp Variant Classification Summary - May 2015. Collection method: clinical testing. Allele origin: germline.
Comment: Variant summary: GLB1 c.842A>G (p.His281Arg) results in a non-conservative amino acid change in the encoded protein sequence. Five of five in-silico tools predict a damaging effect of the variant on protein function. The variant allele was found at a frequency of 8e-06 in 249516 control chromosomes. The available data on variant occurrences in the general population are insufficient to allow any conclusion about variant significance. To our knowledge, no occurrence of c.842A>G in individuals affected with Mucopolysaccharidosis Type IVB (Morquio Syndrome B) and no experimental evidence demonstrating its impact on protein function have been reported. ClinVar contains an entry for this variant (Variation ID: 2173809). Based on the evidence outlined above, the variant was classified as uncertain significance.

Labcorp Genetics (formerly Invitae), Labcorp
Classification: Likely pathogenic for Mucopolysaccharidosis, MPS-IV-B; GM1 gangliosidosis. Last evaluated: 2024-08-20. Review status: criteria provided, single submitter. Criteria: Invitae Variant Classification Sherloc (09022015). Collection method: clinical testing. Allele origin: germline.
Comment: This sequence change replaces histidine, which is basic and polar, with arginine, which is basic and polar, at codon 281 of the GLB1 protein (p.His281Arg). This variant is present in population databases (no rsID available, gnomAD 0.006%). This variant has not been reported in the literature in individuals affected with GLB1-related conditions. ClinVar contains an entry for this variant (Variation ID: 2173809). Invitae Evidence Modeling of protein sequence and biophysical properties (such as structural, functional, and spatial information, amino acid conservation, physicochemical variation, residue mobility, and thermodynamic stability) indicates that this missense variant is expected to disrupt GLB1 protein function with a positive predictive value of 95%. This variant disrupts the p.His281 amino acid residue in GLB1. Other variant(s) that disrupt this residue have been determined to be pathogenic (PMID: 11511921, 18546276, 21214877, 21497194). This suggests that this residue is clinically significant, and that variants that disrupt this residue are likely to be disease-causing. In summary, the currently available evidence indicates that the variant is pathogenic, but additional data are needed to prove that conclusively. Therefore, this variant has been classified as Likely Pathogenic.

Literature cited by the submitters: PubMed 11511921 (cited by Labcorp Genetics (formerly Invitae), Labcorp); PubMed 18546276 (cited by Labcorp Genetics (formerly Invitae), Labcorp); PubMed 21214877 (cited by Labcorp Genetics (formerly Invitae), Labcorp); PubMed 21497194 (cited by Labcorp Genetics (formerly Invitae), Labcorp).

NM_000404.4(GLB1):c.842A>G (p.His281Arg)

Gene: GLB1 (galactosidase beta 1; minus strand). Cytogenetic location: 3p22.3.
Variant type: single nucleotide variant.
Coding change: c.842A>G on transcript NM_000404.4 (MANE Select); coding-DNA position 842, A replaced by G.
Protein change: p.His281Arg; replaces histidine 281 with arginine.
Molecular consequence: missense variant.
Genome position (GRCh38, 1-based): chr3:33,051,955, T>C on the plus strand (A>G on the coding strand, the complement: GLB1 is on the minus strand). VCF-style: chr3-33051955-T-C. GRCh37 (hg19) VCF-style: chr3-33093447-T-C.
Other names: c.752A>G, p.His251Arg (NM_001079811.3); c.449A>G, p.His150Arg (NM_001135602.3); c.986A>G, p.His329Arg (NM_001317040.2); c.842A>G, p.His281Arg (NM_001393580.1); short protein forms H150R, H251R, H281R, H329R.
Identifiers: ClinVar variation 2173809 (VCV002173809.6), dbSNP rs1198846361, ClinGen allele CA352001486.